The following is an entry in ClinVar:

ClinVar aggregate classification (germline): Uncertain significance. Review status: criteria provided, multiple submitters, no conflicts (2 of 4 stars). 2 submissions from 2 submitters: Uncertain significance (2). Last evaluated 2023-12-23.

Conditions:
Inborn genetic diseases. Identifiers: MedGen C0950123, MeSH D030342.

Allele frequency attached by ClinVar (database versions not stated): gnomAD exomes 0.00006.
gnomAD v4.1: 67 of 1,173,846 alleles (0.0057%); highest among the groups gnomAD compares: Non-Finnish European, 0.0074%; no homozygotes.

Submissions (2):

Labcorp Genetics (formerly Invitae), Labcorp
Classification: Uncertain significance. Last evaluated: 2023-12-23. Review status: criteria provided, single submitter. Criteria: Invitae Variant Classification Sherloc (09022015). Collection method: clinical testing. Allele origin: germline.
Comment: This sequence change replaces lysine, which is basic and polar, with glutamic acid, which is acidic and polar, at codon 413 of the CFP protein (p.Lys413Glu). The frequency data for this variant in the population databases is considered unreliable, as metrics indicate poor data quality at this position in the gnomAD database. This variant has not been reported in the literature in individuals affected with CFP-related conditions. ClinVar contains an entry for this variant (Variation ID: 2554793). Advanced modeling of protein sequence and biophysical properties (such as structural, functional, and spatial information, amino acid conservation, physicochemical variation, residue mobility, and thermodynamic stability) performed at Invitae indicates that this missense variant is not expected to disrupt CFP protein function with a negative predictive value of 80%. In summary, the available evidence is currently insufficient to determine the role of this variant in disease. Therefore, it has been classified as a Variant of Uncertain Significance.

Ambry Genetics
Classification: Uncertain significance for Inborn genetic diseases. Last evaluated: 2023-06-01. Review status: criteria provided, single submitter. Criteria: Ambry Variant Classification Scheme 2023. Collection method: clinical testing. Allele origin: germline.

NM_001145252.3(CFP):c.1237A>G (p.Lys413Glu)

Gene: CFP (complement factor properdin; minus strand). Cytogenetic location: Xp11.23.
Variant type: single nucleotide variant.
Coding change: c.1237A>G on transcript NM_001145252.3 (MANE Select); coding-DNA position 1237, A replaced by G.
Protein change: p.Lys413Glu; replaces lysine 413 with glutamic acid.
Molecular consequence: missense variant.
Genome position (GRCh38, 1-based): chrX:47,626,065, T>C on the plus strand (A>G on the coding strand, the complement: CFP is on the minus strand). VCF-style: chrX-47626065-T-C. GRCh37 (hg19) VCF-style: chrX-47485464-T-C.
Other names: c.1237A>G, p.Lys413Glu (NM_002621.2); short protein forms K413E.
Identifiers: ClinVar variation 2554793 (VCV002554793.5), dbSNP rs1421421234, ClinGen allele CA412834693.